The following is an entry in ClinVar:

ClinVar aggregate classification (germline): Uncertain significance. Review status: criteria provided, multiple submitters, no conflicts (2 of 4 stars). 5 submissions from 5 submitters: Uncertain significance (5). Last evaluated 2025-12-03.

Conditions:
Inborn genetic diseases. Identifiers: MedGen C0950123, MeSH D030342.
Nephronophthisis. Also called: Juvenile Nephronophthisis. Identifiers: Orphanet 655, MedGen C0687120, MONDO:0019005, HP:0000090.
NPHP1-related disorder. Also called: NPHP1-related condition; NPHP1-related disorders.

Allele frequency attached by ClinVar (database versions not stated): gnomAD 0.00001; gnomAD exomes 0.00001 and 0.00002; ExAC 0.00002; TOPMed 0.00003.
gnomAD v4.1: 15 of 1,613,996 alleles (0.00093%); highest among the groups gnomAD compares: Admixed American, 0.01%; no homozygotes.

Submissions (5):

PreventionGenetics, part of Exact Sciences
Classification: Uncertain significance for NPHP1-related condition. Last evaluated: 2025-12-03. Review status: criteria provided, single submitter. Criteria: ACMG Guidelines, 2015. Collection method: clinical testing. Allele origin: germline.
Comment: The NPHP1 c.2051G>A variant is predicted to result in the amino acid substitution p.Arg684Gln. To our knowledge, this variant has not been reported in the literature. This variant is reported in 0.0087% of alleles in individuals of Latino descent in gnomAD. At this time, the clinical significance of this variant is uncertain due to the absence of conclusive functional and genetic evidence.

Labcorp Genetics (formerly Invitae), Labcorp
Classification: Uncertain significance for Nephronophthisis. Last evaluated: 2024-11-13. Review status: criteria provided, single submitter. Criteria: Invitae Variant Classification Sherloc (09022015). Collection method: clinical testing. Allele origin: germline.
Comment: This sequence change replaces arginine, which is basic and polar, with glutamine, which is neutral and polar, at codon 684 of the NPHP1 protein (p.Arg684Gln). This variant is present in population databases (rs768137941, gnomAD 0.009%). This variant has not been reported in the literature in individuals affected with NPHP1-related conditions. ClinVar contains an entry for this variant (Variation ID: 1490923). Invitae Evidence Modeling of protein sequence and biophysical properties (such as structural, functional, and spatial information, amino acid conservation, physicochemical variation, residue mobility, and thermodynamic stability) indicates that this missense variant is not expected to disrupt NPHP1 protein function with a negative predictive value of 80%. In summary, the available evidence is currently insufficient to determine the role of this variant in disease. Therefore, it has been classified as a Variant of Uncertain Significance.

Ambry Genetics
Classification: Uncertain significance for Inborn genetic diseases. Last evaluated: 2024-11-10. Review status: criteria provided, single submitter. Criteria: Ambry Variant Classification Scheme 2023. Collection method: clinical testing. Allele origin: germline.

Women's Health and Genetics/Laboratory Corporation of America, LabCorp
Classification: Uncertain significance. Last evaluated: 2024-05-01. Review status: criteria provided, single submitter. Criteria: LabCorp Variant Classification Summary - May 2015. Collection method: clinical testing. Allele origin: germline.
Comment: Variant summary: NPHP1 c.2051G>A (p.Arg684Gln) results in a conservative amino acid change in the encoded protein sequence. Four of five in-silico tools predict a damaging effect of the variant on protein function. The variant allele was found at a frequency of 1.6e-05 in 251490 control chromosomes. The available data on variant occurrences in the general population are insufficient to allow any conclusion about variant significance. To our knowledge, no occurrence of c.2051G>A in individuals affected with NPHP1-Related Disorders and no experimental evidence demonstrating its impact on protein function have been reported. ClinVar contains an entry for this variant (Variation ID: 1490923). Based on the evidence outlined above, the variant was classified as uncertain significance.

Blueprint Genetics
Classification: Uncertain significance. Last evaluated: 2023-09-27. Review status: criteria provided, single submitter. Criteria: ACMG Guidelines, 2015. Collection method: clinical testing. Allele origin: germline.

NM_001128178.3(NPHP1):c.1883G>A (p.Arg628Gln)

Gene: NPHP1 (nephrocystin 1; minus strand). Cytogenetic location: 2q13.
Variant type: single nucleotide variant.
Coding change: c.1883G>A on transcript NM_001128178.3 (MANE Select); coding-DNA position 1883, G replaced by A.
Protein change: p.Arg628Gln; replaces arginine 628 with glutamine.
Molecular consequence: missense variant. On other transcripts: 3 prime UTR variant (1).
Genome position (GRCh38, 1-based): chr2:110,123,942, C>T on the plus strand (G>A on the coding strand, the complement: NPHP1 is on the minus strand). VCF-style: chr2-110123942-C-T. GRCh37 (hg19) VCF-style: chr2-110881519-C-T.
Other names: c.2051G>A (NM_000272.3); c.2051G>A, p.Arg684Gln (NM_000272.5); c.1694G>A, p.Arg565Gln (NM_001128179.3); c.1880G>A, p.Arg627Gln (NM_001374256.1); c.*125G>A (NM_001374257.1); c.2048G>A, p.Arg683Gln (NM_207181.4); short protein forms R565Q, R684Q, R627Q, R628Q, R683Q.
Identifiers: ClinVar variation 1490923 (VCV001490923.10), dbSNP rs768137941, ClinGen allele CA1826852.
Genomic context (GRCh38, chr2:110,123,942, plus strand): 5'-GCTTGGAGGGCGCCCTGGTTTTCTTGGTTTTGCTTAAGGAAGTCAGTGATAACTTTCCAC[C>T]GTGCAGTCTCAGTCTCTTCTTCTGCCCACCTGAATGGGGGTAGGCGTGTGGAGTGGAGAA-3'
Protein context (NP_001121650.1, residues 618-638): RWAEEETETA[Arg628Gln]WKVITDFLKQ